The following is an entry in ClinVar:

ClinVar aggregate classification (germline): Uncertain significance (1 of 4 stars; one submission).

Allele frequency attached by ClinVar (database versions not stated): gnomAD exomes below 0.00001 and 0.00001; gnomAD 0.00001; TOPMed 0.00001.
gnomAD v4.1: 12 of 1,614,028 alleles (0.00074%); highest among the groups gnomAD compares: East Asian, 0.0022%; no homozygotes.

Submission:

Labcorp Genetics (formerly Invitae), Labcorp
Classification: Uncertain significance. Last evaluated: 2021-11-26. Review status: criteria provided, single submitter. Criteria: Invitae Variant Classification Sherloc (09022015). Collection method: clinical testing. Allele origin: germline.
Comment: This sequence change affects codon 606 of the COL9A1 mRNA. It is a 'silent' change, meaning that it does not change the encoded amino acid sequence of the COL9A1 protein. This variant also falls at the last nucleotide of exon 27, which is part of the consensus splice site for this exon. This variant is present in population databases (no rsID available, gnomAD 0.006%). This variant has not been reported in the literature in individuals affected with COL9A1-related conditions. Variants that disrupt the consensus splice site are a relatively common cause of aberrant splicing (PMID: 17576681, 9536098). Algorithms developed to predict the effect of sequence changes on RNA splicing suggest that this variant may disrupt the consensus splice site. In summary, the available evidence is currently insufficient to determine the role of this variant in disease. Therefore, it has been classified as a Variant of Uncertain Significance.

Literature cited by the submitters: PubMed 17576681; PubMed 9536098.

NM_001851.6(COL9A1):c.1818G>A (p.Pro606=)

Gene: COL9A1 (collagen type IX alpha 1 chain; minus strand). Cytogenetic location: 6q13.
Variant type: single nucleotide variant.
Coding change: c.1818G>A on transcript NM_001851.6 (MANE Select); coding-DNA position 1818, G replaced by A.
Protein change: p.Pro606=; no amino-acid change (proline 606 retained).
Molecular consequence: synonymous variant. On other transcripts: non-coding transcript variant (1).
Genome position (GRCh38, 1-based): chr6:70,252,262, C>T on the plus strand (G>A on the coding strand, the complement: COL9A1 is on the minus strand). VCF-style: chr6-70252262-C-T. GRCh37 (hg19) VCF-style: chr6-70961965-C-T.
Other names: c.1119G>A, p.Pro373= (NM_001377289.1); c.1089G>A, p.Pro363= (NM_001377290.1, NM_078485.4).
Identifiers: ClinVar variation 1347245 (VCV001347245.3), dbSNP rs1296099818, ClinGen allele CA450717236.